The following is an entry in ClinVar:

NM_001378454.1(ALMS1):c.11933C>T (p.Pro3978Leu)

Genes: ALMS1 (ALMS1 centrosome and basal body associated protein; plus strand), LOC126806252 (BRD4-independent group 4 enhancer GRCh37_chr2:73828496-73829695; plus strand). Cytogenetic location: 2p13.1.
Variant type: single nucleotide variant.
Coding change: c.11933C>T on transcript NM_001378454.1 (MANE Select); coding-DNA position 11933, C replaced by T.
Protein change: p.Pro3978Leu; replaces proline 3978 with leucine.
Molecular consequence: missense variant.
Genome position (GRCh38, 1-based): chr2:73,601,255, C>T. VCF-style: chr2-73601255-C-T. GRCh37 (hg19) VCF-style: chr2-73828382-C-T.
Other names: c.11936C>T, p.Pro3979Leu (NM_015120.4); short protein forms P3978L, P3979L.
Identifiers: ClinVar variation 2636501 (VCV002636501.1), dbSNP rs779063839, ClinGen allele CA347265756.

ClinVar aggregate classification (germline): Uncertain significance (1 of 4 stars; one submission).

Conditions:
ALMS1-related disorder. Also called: ALMS1-related condition.

Submission:

PreventionGenetics, part of Exact Sciences
Classification: Uncertain significance for ALMS1-related condition. Last evaluated: 2023-05-04. Review status: criteria provided, single submitter. Criteria: ACMG Guidelines, 2015. Collection method: clinical testing. Allele origin: germline.
Comment: The ALMS1 c.11936C>T variant is predicted to result in the amino acid substitution p.Thr3979Ile. To our knowledge, this variant has not been reported in the literature. This variant is reported in 0.13% of alleles in individuals of African descent in gnomAD, which is more common than expected for a disease-causing variant. Although we suspect this variant may be benign, at this time, the clinical significance is uncertain due to the absence of conclusive functional and genetic evidence.